The following is an entry in ClinVar:

NM_001029871.4(RSPO4):c.320G>A (p.Cys107Tyr)

Gene: RSPO4 (R-spondin 4; minus strand). Cytogenetic location: 20p13.
Variant type: single nucleotide variant.
Coding change: c.320G>A on transcript NM_001029871.4 (MANE Select); coding-DNA position 320, G replaced by A.
Protein change: p.Cys107Tyr; replaces cysteine 107 with tyrosine.
Molecular consequence: missense variant.
Genome position (GRCh38, 1-based): chr20:967,263, C>T on the plus strand (G>A on the coding strand, the complement: RSPO4 is on the minus strand). VCF-style: chr20-967263-C-T. GRCh37 (hg19) VCF-style: chr20-947906-C-T.
Other names: c.320G>A, p.Cys107Tyr (NM_001040007.3); short protein forms C107Y.
Identifiers: ClinVar variation 2500661 (VCV002500661.1), dbSNP rs2514349557, ClinGen allele CA407970040.
Genomic context (GRCh38, chr20:967,263, plus strand): 5'-AAAGTGCCCGGCGGGCAGGTGGGCAGACACTTCCCCTTGTACAAGTAAAACTGCCTCTTG[C>T]ACCGGATGCAGAAGTCCTGGCTGAAGCAGCTCTCACAAGTGGCCCCACATTCTGTAATAG-3'
Protein context (NP_001025042.2, residues 97-117): SCFSQDFCIR[Cys107Tyr]KRQFYLYKGK

ClinVar aggregate classification (germline): Uncertain significance (1 of 4 stars; one submission).

Allele frequency attached by ClinVar (database versions not stated): gnomAD exomes below 0.00001.
gnomAD v4.1: 3 of 1,614,220 alleles (0.00019%); highest among the groups gnomAD compares: Middle Eastern, 0.033%; no homozygotes.

Submission:

GeneDx
Classification: Uncertain significance. Last evaluated: 2022-10-28. Review status: criteria provided, single submitter. Criteria: GeneDx Variant Classification Process June 2021. Collection method: clinical testing. Allele origin: germline. Affected: yes.
Comment: Not observed at significant frequency in large population cohorts (gnomAD); In silico analysis supports that this missense variant has a deleterious effect on protein structure/function; Has not been previously published as pathogenic or benign to our knowledge